The following is an entry in ClinVar:

NC_000022.11:g.40346420C>T

Gene: ADSL (adenylosuccinate lyase; plus strand). Cytogenetic location: 22q13.1.
Variant type: single nucleotide variant.
Genome position: GRCh38 VCF-style: chr22-40346420-C-T. GRCh37 (hg19) VCF-style: chr22-40742424-C-T.
Identifiers: ClinVar variation 2197387 (VCV002197387.2), dbSNP rs550730836, ClinGen allele CA324446893.
Genomic context (GRCh38, chr22:40,346,420, plus strand): 5'-GTCAAAGAAGCGAACCAAGTCAATTCTCAGGCAGAAGCAGCGGAGATTCTCCGCAGCCGG[C>T]AGCGCCCAGGGCGCCCGGAACCCAGAGAGCGAGACCGCGTGAAGGAAGTCCCGCCCCGCC-3'

ClinVar aggregate classification (germline): Uncertain significance (1 of 4 stars; one submission).

Conditions:
Adenylosuccinate lyase deficiency (ADSLD). Also called: ADSL DEFICIENCY. Identifiers: Orphanet 46, MedGen C0268126, MONDO:0007068, OMIM 103050.

Allele frequency attached by ClinVar (database versions not stated): gnomAD exomes 0.00001; 1000 Genomes Project 30x 0.00031; 1000 Genomes Project 0.00040.

Submission:

Labcorp Genetics (formerly Invitae), Labcorp
Classification: Uncertain significance for Adenylosuccinate lyase deficiency. Last evaluated: 2022-08-23. Review status: criteria provided, single submitter. Criteria: Invitae Variant Classification Sherloc (09022015). Collection method: clinical testing. Allele origin: germline.
Comment: This variant occurs in a non-coding region of the ADSL gene. It does not change the encoded amino acid sequence of the ADSL protein. This variant is present in population databases (rs550730836, gnomAD 0.2%). This variant has not been reported in the literature in individuals affected with ADSL-related conditions. Experimental studies and prediction algorithms are not available or were not evaluated, and the functional significance of this variant is currently unknown. Algorithms developed to predict the effect of sequence changes on RNA splicing suggest that this variant may create or strengthen a splice site. In summary, the available evidence is currently insufficient to determine the role of this variant in disease. Therefore, it has been classified as a Variant of Uncertain Significance.